The following is an entry in ClinVar:

ClinVar aggregate classification (germline): Conflicting classifications of pathogenicity. Review status: criteria provided, conflicting classifications (1 of 4 stars). 2 submissions from 2 submitters: Likely pathogenic (1); Uncertain significance (1). Last evaluated 2025-09-25.

Conditions:
Niemann-Pick disease, type C1. Also called: NEUROVISCERAL STORAGE DISEASE WITH VERTICAL SUPRANUCLEAR OPHTHALMOPLEGIA; NIEMANN-PICK DISEASE WITH CHOLESTEROL ESTERIFICATION BLOCK; NIEMANN-PICK DISEASE WITHOUT SPHINGOMYELINASE DEFICIENCY; NIEMANN-PICK DISEASE, CHRONIC NEURONOPATHIC FORM; NIEMANN-PICK DISEASE, VARIANT TYPE C1. Identifiers: Orphanet 646, MedGen C3179455, MONDO:0009757, OMIM 257220.

Submissions (2):

Women's Health and Genetics/Laboratory Corporation of America, LabCorp
Classification: Uncertain significance. Last evaluated: 2025-09-25. Review status: criteria provided, single submitter. Criteria: LabCorp Variant Classification Summary - May 2015. Collection method: clinical testing. Allele origin: germline.
Comment: Variant summary: NPC1 c.2770T>C (p.Phe924Leu) results in a non-conservative amino acid change in the encoded protein sequence. Algorithms developed to predict the effect of missense changes on protein structure and function all suggest that this variant is likely to be disruptive. The variant was absent in 251416 control chromosomes. c.2770T>C has been observed in at least one individual affected with Niemann-Pick Disease Type C (Guatibonza_2023). These data indicate that the variant may be associated with disease. To our knowledge, no experimental evidence demonstrating an impact on protein function has been reported. The following publication has been ascertained in the context of this evaluation (PMID: 37433892). ClinVar contains an entry for this variant (Variation ID: 1705775). Based on the evidence outlined above, the variant was classified as VUS-possibly pathogenic.

CENTOGENE GmbH and LLC - Guiding Precision Medicine
Classification: Likely pathogenic for Niemann-Pick disease, type C1. Last evaluated: 2022-08-30. Review status: criteria provided, single submitter. Criteria: ACMG Guidelines, 2015. Collection method: clinical testing. Allele origin: germline. Affected: yes.

Literature cited by the submitters: PubMed 37433892 (cited by Women's Health and Genetics/Laboratory Corporation of America, LabCorp).

NM_000271.5(NPC1):c.2770T>C (p.Phe924Leu)

Gene: NPC1 (NPC intracellular cholesterol transporter 1; minus strand). Cytogenetic location: 18q11.2.
Variant type: single nucleotide variant.
Coding change: c.2770T>C on transcript NM_000271.5 (MANE Select); coding-DNA position 2770, T replaced by C.
Protein change: p.Phe924Leu; replaces phenylalanine 924 with leucine.
Molecular consequence: missense variant.
Genome position (GRCh38, 1-based): chr18:23,539,836, A>G on the plus strand (T>C on the coding strand, the complement: NPC1 is on the minus strand). VCF-style: chr18-23539836-A-G. GRCh37 (hg19) VCF-style: chr18-21119800-A-G.
Other names: short protein forms F924L.
Identifiers: ClinVar variation 1705775 (VCV001705775.2), dbSNP rs2511213296, ClinGen allele CA401792680.